The following is an entry in ClinVar:

NM_000064.4(C3):c.2851C>T (p.Arg951Cys)

Gene: C3 (complement C3; minus strand). Cytogenetic location: 19p13.3.
Variant type: single nucleotide variant.
Coding change: c.2851C>T on transcript NM_000064.4 (MANE Select); coding-DNA position 2851, C replaced by T.
Protein change: p.Arg951Cys; replaces arginine 951 with cysteine.
Molecular consequence: missense variant.
Genome position (GRCh38, 1-based): chr19:6,696,605, G>A on the plus strand (C>T on the coding strand, the complement: C3 is on the minus strand). VCF-style: chr19-6696605-G-A. GRCh37 (hg19) VCF-style: chr19-6696616-G-A.
Other names: short protein forms R951C.
Identifiers: ClinVar variation 3608188 (VCV003608188.2).

ClinVar aggregate classification (germline): Uncertain significance (1 of 4 stars; one submission).

gnomAD v4.1: 6 of 1,613,976 alleles (0.00037%); highest among the groups gnomAD compares: East Asian, 0.0022%; no homozygotes.

Submission:

Labcorp Genetics (formerly Invitae), Labcorp
Classification: Uncertain significance. Last evaluated: 2024-04-02. Review status: criteria provided, single submitter. Criteria: Invitae Variant Classification Sherloc (09022015). Collection method: clinical testing. Allele origin: germline.
Comment: This sequence change replaces arginine, which is basic and polar, with cysteine, which is neutral and slightly polar, at codon 951 of the C3 protein (p.Arg951Cys). This variant is present in population databases (rs780884558, gnomAD 0.002%). This variant has not been reported in the literature in individuals affected with C3-related conditions. Advanced modeling of protein sequence and biophysical properties (such as structural, functional, and spatial information, amino acid conservation, physicochemical variation, residue mobility, and thermodynamic stability) performed at Invitae indicates that this missense variant is not expected to disrupt C3 protein function with a negative predictive value of 80%. In summary, the available evidence is currently insufficient to determine the role of this variant in disease. Therefore, it has been classified as a Variant of Uncertain Significance.